The following is an entry in ClinVar:

ClinVar aggregate classification (germline): Uncertain significance (1 of 4 stars; one submission).

Submission:

Labcorp Genetics (formerly Invitae), Labcorp
Classification: Uncertain significance. Last evaluated: 2024-05-28. Review status: criteria provided, single submitter. Criteria: Invitae Variant Classification Sherloc (09022015). Collection method: clinical testing. Allele origin: germline.
Comment: This variant, c.824_826del, results in the deletion of 1 amino acid(s) of the ROR1 protein (p.Met275del), but otherwise preserves the integrity of the reading frame. This variant is not present in population databases (gnomAD no frequency). This variant has not been reported in the literature in individuals affected with ROR1-related conditions. Experimental studies and prediction algorithms are not available or were not evaluated, and the functional significance of this variant is currently unknown. In summary, the available evidence is currently insufficient to determine the role of this variant in disease. Therefore, it has been classified as a Variant of Uncertain Significance.

NM_005012.4(ROR1):c.821TGA[1] (p.Met275del)

Gene: ROR1 (receptor tyrosine kinase like orphan receptor 1; plus strand). Cytogenetic location: 1p31.3.
Variant type: Microsatellite.
Coding change: c.821TGA[1] on transcript NM_005012.4 (MANE Select); one copy of the 3-base unit TGA starting at c.821; the reference has two copies in a row; one copy, 3 bases deleted.
Protein change: p.Met275del; deletes methionine 275.
Genome position (GRCh38, 1-based): chr1:64,140,322-64,140,324, TGA deleted; deleting any 3 consecutive bases within chr1:64,140,319-64,140,324 gives the same sequence; the position shown is the placement nearest the transcript's 3' end. VCF-style (leftmost placement, unchanged base first): chr1-64140318-CTGA-C. GRCh37 (hg19) VCF-style: chr1-64606001-CTGA-C.
Other names: c.821TGA[1], p.Met275del (NM_001083592.2); short protein forms M275del.
Identifiers: ClinVar variation 3650269 (VCV003650269.2).
Genomic context (GRCh38, chr1:64,140,318, plus strand): 5'-ATCCTGGAGAATGTCCTGTGTCAAACAGAGTACATTTTTGCAAGATCAAATCCCATGATT[CTGA>C]TGAGGCTGAAACTGCCAAACTGTGAAGATCTCCCCCAGCCAGAGAGCCCAGAAGCTGCGA-3'